The following is an entry in ClinVar:

ClinVar aggregate classification (germline): Uncertain significance (1 of 4 stars; one submission).

Conditions:
Heterotaxy, visceral, 5, autosomal (HTX5). Also called: Heterotaxy, visceral, 5. Identifiers: Orphanet 450, MedGen C3495537, MONDO:0700112, OMIM 270100.

Submission:

Labcorp Genetics (formerly Invitae), Labcorp
Classification: Uncertain significance for Heterotaxy, visceral, 5, autosomal. Last evaluated: 2025-02-25. Review status: criteria provided, single submitter. Criteria: Invitae Variant Classification Sherloc (09022015). Collection method: clinical testing. Allele origin: germline.
Comment: This sequence change replaces leucine, which is neutral and non-polar, with valine, which is neutral and non-polar, at codon 41 of the NODAL protein (p.Leu41Val). This variant is not present in population databases (gnomAD no frequency). This variant has not been reported in the literature in individuals affected with NODAL-related conditions. Invitae Evidence Modeling of protein sequence and biophysical properties (such as structural, functional, and spatial information, amino acid conservation, physicochemical variation, residue mobility, and thermodynamic stability) indicates that this missense variant is not expected to disrupt NODAL protein function with a negative predictive value of 80%. In summary, the available evidence is currently insufficient to determine the role of this variant in disease. Therefore, it has been classified as a Variant of Uncertain Significance.

NM_018055.5(NODAL):c.121C>G (p.Leu41Val)

Gene: NODAL (nodal growth differentiation factor; minus strand). Cytogenetic location: 10q22.1.
Variant type: single nucleotide variant.
Coding change: c.121C>G on transcript NM_018055.5 (MANE Select); coding-DNA position 121, C replaced by G.
Protein change: p.Leu41Val; replaces leucine 41 with valine.
Molecular consequence: missense variant. On other transcripts: intron variant (1).
Genome position (GRCh38, 1-based): chr10:70,441,547, G>C on the plus strand (C>G on the coding strand, the complement: NODAL is on the minus strand). VCF-style: chr10-70441547-G-C. GRCh37 (hg19) VCF-style: chr10-72201303-G-C.
Other names: c.-206-5564C>G (NM_001329906.2); short protein forms L41V.
Identifiers: ClinVar variation 4741567 (VCV004741567.1).